The following is an entry in ClinVar:

NM_004655.4(AXIN2):c.1300G>C (p.Asp434His)

Gene: AXIN2 (axin 2; minus strand). Cytogenetic location: 17q24.1.
Variant type: single nucleotide variant.
Coding change: c.1300G>C on transcript NM_004655.4 (MANE Select); coding-DNA position 1300, G replaced by C.
Protein change: p.Asp434His; replaces aspartic acid 434 with histidine.
Molecular consequence: missense variant.
Genome position (GRCh38, 1-based): chr17:65,537,736, C>G on the plus strand (G>C on the coding strand, the complement: AXIN2 is on the minus strand). VCF-style: chr17-65537736-C-G. GRCh37 (hg19) VCF-style: chr17-63533854-C-G.
Other names: c.1300G>C, p.Asp434His (NM_001363813.1); short protein forms D434H.
Identifiers: ClinVar variation 5032523 (VCV005032523.1).
Genomic context (GRCh38, chr17:65,537,736, plus strand): 5'-ACTGGCAGCCAGGGGTCTTGAGGACCCTGGACAGGTGATCGTCCAGTATCGTCTGCGGGT[C>G]TTCCTCGTAGCTGCCGGAGGGCAGTAGGGAGAGGGGGTGCTGCGTGGGCGCCCCCTCCCG-3'
Protein context (NP_004646.3, residues 424-444): SLLPSGSYEE[Asp434His]PQTILDDHLS

ClinVar aggregate classification (germline): Uncertain significance (1 of 4 stars; one submission).

Conditions:
Hereditary cancer-predisposing syndrome. Also called: Neoplastic Syndromes, Hereditary; Tumor predisposition; Hereditary neoplastic syndrome; Hereditary Cancer Syndrome. Identifiers: Orphanet 140162, MedGen C0027672, MeSH D009386, MONDO:0015356.

Submission:

Ambry Genetics
Classification: Uncertain significance for Hereditary cancer-predisposing syndrome. Last evaluated: 2026-07-02. Review status: criteria provided, single submitter. Criteria: Ambry Variant Classification Scheme 2023. Collection method: clinical testing. Allele origin: germline.
Comment: The p.D434H variant (also known as c.1300G>C), located in coding exon 5 of the AXIN2 gene, results from a G to C substitution at nucleotide position 1300. The aspartic acid at codon 434 is replaced by histidine, an amino acid with similar properties. This amino acid position is conserved. In addition, the in silico prediction for this alteration is inconclusive. Based on the available evidence, the clinical significance of this variant remains unclear.